The following is an entry in ClinVar:

NM_001394062.1(MACF1):c.15817-10654G>A

Genes: KIAA0754 (KIAA0754; plus strand), MACF1 (microtubule actin crosslinking factor 1; plus strand). Cytogenetic location: 1p34.3.
Variant type: single nucleotide variant.
Coding change: c.15817-10654G>A on transcript NM_001394062.1 (MANE Select); 10654 bases into the intron before coding-DNA position 15817, G replaced by A.
Molecular consequence: intron variant. On other transcripts: synonymous variant (1).
Genome position (GRCh38, 1-based): chr1:39,411,720, G>A. VCF-style: chr1-39411720-G-A. GRCh37 (hg19) VCF-style: chr1-39877392-G-A.
Other names: c.1455G>A, p.Glu485= (NM_001397473.1); c.9631-10654G>A (NM_012090.5).
Identifiers: ClinVar variation 2638704 (VCV002638704.24), dbSNP rs200415167, ClinGen allele CA782700.

ClinVar aggregate classification (germline): Likely benign (1 of 4 stars; one submission).

Allele frequency attached by ClinVar (database versions not stated): 1000 Genomes Project 30x 0.00031; 1000 Genomes Project 0.00040; TOPMed 0.00080; ExAC 0.00084; gnomAD 0.00085; ESP Exome Variant Server 0.00142; gnomAD exomes 0.00157.
gnomAD v4.1: 2,436 of 1,613,876 alleles (0.15%); highest among the groups gnomAD compares: Non-Finnish European, 0.19%; 2 homozygotes.

Submission:

CeGaT Center for Human Genetics Tuebingen
Classification: Likely benign. Last evaluated: 2024-10-01. Review status: criteria provided, single submitter. Criteria: CeGaT Center For Human Genetics Tuebingen Variant Classification Criteria Version 2. Collection method: clinical testing. Allele origin: germline. Affected: yes. Observed: 3 variant alleles.
Comment: KIAA0754: BP4, BP7